The following is an entry in ClinVar:

NM_001242896.3(DEPDC5):c.4583G>A (p.Arg1528Gln)

Gene: DEPDC5 (DEP domain containing 5, GATOR1 subcomplex subunit; plus strand). Cytogenetic location: 22q12.3.
Variant type: single nucleotide variant.
Coding change: c.4583G>A on transcript NM_001242896.3 (MANE Select); coding-DNA position 4583, G replaced by A.
Protein change: p.Arg1528Gln; replaces arginine 1528 with glutamine.
Molecular consequence: missense variant. On other transcripts: non-coding transcript variant (5).
Genome position (GRCh38, 1-based): chr22:31,906,268, G>A. VCF-style: chr22-31906268-G-A. GRCh37 (hg19) VCF-style: chr22-32302254-G-A.
Other names: c.4556G>A, p.Arg1519Gln (NM_001136029.4); c.4283G>A, p.Arg1428Gln (NM_001242897.2); c.4517G>A, p.Arg1506Gln (NM_001363852.2, NM_001364320.2); c.4349G>A, p.Arg1450Gln (NM_001363854.2, NM_001364319.2); c.4583G>A, p.Arg1528Gln (NM_001364318.2); c.4499G>A, p.Arg1500Gln (NM_001369901.1, NM_001369902.1); c.4490G>A, p.Arg1497Gln (NM_001369903.1, NM_014662.6); short protein forms R1519Q, R1428Q, R1497Q, R1450Q, R1500Q, R1528Q, R1506Q.
Identifiers: ClinVar variation 852283 (VCV000852283.14), dbSNP rs758757956, ClinGen allele CA10197293.

ClinVar aggregate classification (germline): Conflicting classifications of pathogenicity. Review status: criteria provided, conflicting classifications (1 of 4 stars). 4 submissions from 4 submitters: Uncertain significance (2); Likely benign (1). 1 of the submissions does not count toward it. Last evaluated 2026-02-01.

Conditions:
Familial focal epilepsy with variable foci (FPEVF). Identifiers: Orphanet 98820, MedGen C1858477, MONDO:0020310.

Allele frequency attached by ClinVar (database versions not stated): gnomAD 0.00001 and 0.00002; TOPMed 0.00001; gnomAD exomes 0.00003 and 0.00006; ExAC 0.00007.
gnomAD v4.1: 51 of 1,613,762 alleles (0.0032%); highest among the groups gnomAD compares: South Asian, 0.027%; 1 homozygote.

Submissions (4):

Labcorp Genetics (formerly Invitae), Labcorp
Classification: Uncertain significance for Familial focal epilepsy with variable foci. Last evaluated: 2026-02-01. Review status: criteria provided, single submitter. Criteria: Invitae Variant Classification Sherloc (09022015). Collection method: clinical testing. Allele origin: germline.
Comment: This sequence change replaces arginine, which is basic and polar, with glutamine, which is neutral and polar, at codon 1528 of the DEPDC5 protein (p.Arg1528Gln). This variant is present in population databases (rs758757956, gnomAD 0.02%). This missense change has been observed in individual(s) with epilepsy (PMID: 36703223). ClinVar contains an entry for this variant (Variation ID: 852283). Experimental studies and prediction algorithms are not available or were not evaluated, and the functional significance of this variant is currently unknown. In summary, the available evidence is currently insufficient to determine the role of this variant in disease. Therefore, it has been classified as a Variant of Uncertain Significance.

Blueprint Genetics
Classification: Likely benign. Last evaluated: 2024-03-28. Review status: criteria provided, single submitter. Criteria: ACMG Guidelines, 2015. Collection method: clinical testing. Allele origin: germline.

Dubai Health Genomic Medicine Center, Dubai Health
Classification: Uncertain significance. Last evaluated: 2022-12-17. Review status: criteria provided, single submitter. Criteria: ACMG Guidelines, 2015. Collection method: clinical testing. Allele origin: germline. Affected: yes.

Genetics and Genomic Medicine Centre, NeuroGen Healthcare, NeuroGen Healthcare
Classification: Uncertain significance. Last evaluated: 2021-08-30. Review status: no assertion criteria provided. Collection method: clinical testing. Allele origin: unknown. Affected: yes. Not counted in ClinVar's aggregate classification.

Literature cited by the submitters: PubMed 36703223 (cited by Labcorp Genetics (formerly Invitae), Labcorp).